The following is an entry in ClinVar:

NM_007373.4(SHOC2):c.236C>T (p.Pro79Leu)

Gene: SHOC2 (SHOC2 leucine rich repeat scaffold protein; plus strand). Cytogenetic location: 10q25.2.
Variant type: single nucleotide variant.
Coding change: c.236C>T on transcript NM_007373.4 (MANE Select); coding-DNA position 236, C replaced by T.
Protein change: p.Pro79Leu; replaces proline 79 with leucine.
Molecular consequence: missense variant.
Genome position (GRCh38, 1-based): chr10:110,964,594, C>T. VCF-style: chr10-110964594-C-T. GRCh37 (hg19) VCF-style: chr10-112724352-C-T.
Other names: c.236C>T, p.Pro79Leu (NM_001269039.3, NM_001324336.2, NM_001324337.2); short protein forms P79L.
Identifiers: ClinVar variation 3660070 (VCV003660070.2).

ClinVar aggregate classification (germline): Uncertain significance (1 of 4 stars; one submission).

Conditions:
RASopathy. Also called: Noonan spectrum disorder; rasopathies. Identifiers: Orphanet 536391, MedGen C5555857, MONDO:0021060.

gnomAD v4.1: 2 of 1,614,056 alleles (0.00012%); highest among the groups gnomAD compares: Non-Finnish European, 0.00017%; no homozygotes.

Submission:

Labcorp Genetics (formerly Invitae), Labcorp
Classification: Uncertain significance for RASopathy. Last evaluated: 2024-11-11. Review status: criteria provided, single submitter. Criteria: Invitae Variant Classification Sherloc (09022015). Collection method: clinical testing. Allele origin: germline.
Comment: This sequence change replaces proline, which is neutral and non-polar, with leucine, which is neutral and non-polar, at codon 79 of the SHOC2 protein (p.Pro79Leu). This variant is not present in population databases (gnomAD no frequency). This variant has not been reported in the literature in individuals affected with SHOC2-related conditions. Invitae Evidence Modeling of protein sequence and biophysical properties (such as structural, functional, and spatial information, amino acid conservation, physicochemical variation, residue mobility, and thermodynamic stability) indicates that this missense variant is not expected to disrupt SHOC2 protein function with a negative predictive value of 80%. In summary, the available evidence is currently insufficient to determine the role of this variant in disease. Therefore, it has been classified as a Variant of Uncertain Significance.